The following is an entry in ClinVar:

ClinVar aggregate classification (germline): Uncertain significance. Review status: criteria provided, multiple submitters, no conflicts (2 of 4 stars). 2 submissions from 2 submitters: Uncertain significance (2). Last evaluated 2022-07-07.

Conditions:
Hereditary cancer-predisposing syndrome. Also called: Neoplastic Syndromes, Hereditary; Tumor predisposition; Hereditary Cancer Syndrome; Hereditary neoplastic syndrome. Identifiers: Orphanet 140162, MedGen C0027672, MeSH D009386, MONDO:0015356.
Haddad syndrome (OHD). Also called: Ondine-Hirschsprung disease. Identifiers: Orphanet 99803, MedGen C1859049, MONDO:0020493.

Allele frequency attached by ClinVar (database versions not stated): gnomAD exomes below 0.00001.

Submissions (2):

Labcorp Genetics (formerly Invitae), Labcorp
Classification: Uncertain significance for Haddad syndrome. Last evaluated: 2022-07-07. Review status: criteria provided, single submitter. Criteria: Invitae Variant Classification Sherloc (09022015). Collection method: clinical testing. Allele origin: germline.
Comment: This variant is not present in population databases (gnomAD no frequency). In summary, the available evidence is currently insufficient to determine the role of this variant in disease. Therefore, it has been classified as a Variant of Uncertain Significance. Experimental studies and prediction algorithms are not available or were not evaluated, and the functional significance of this variant is currently unknown. This variant has not been reported in the literature in individuals affected with PHOX2B-related conditions. This sequence change affects the initiator methionine of the PHOX2B mRNA. The next in-frame methionine is located at codon 4.

Ambry Genetics
Classification: Uncertain significance for Hereditary cancer-predisposing syndrome. Last evaluated: 2022-07-01. Review status: criteria provided, single submitter. Criteria: Ambry Variant Classification Scheme 2023. Collection method: clinical testing. Allele origin: germline.
Comment: The p.M1? variant (also known as c.1A>G) is located in coding exon 1 of the PHOX2B gene and results from a A to G substitution at nucleotide position 1. This alters the methionine residue at the initiation codon (ATG). This amino acid region is highly conserved in available vertebrate species. Variations that modify the initiation codon (ATG) are expected to result in either loss of translation initiation, N-terminal truncation, or cause a shift in the mRNA reading frame; however, there is an in-frame methionine three amino acids from the initiation site, which may result in N-terminal truncation of unknown functional significance. Since supporting evidence is limited at this time, the clinical significance of this alteration remains unclear.

NM_003924.4(PHOX2B):c.1A>G (p.Met1Val)

Genes: PHOX2B (paired like homeobox 2B; minus strand), PHOX2B-AS1 (PHOX2B antisense RNA 1; plus strand). Cytogenetic location: 4p13.
Variant type: single nucleotide variant.
Coding change: c.1A>G on transcript NM_003924.4 (MANE Select); coding-DNA position 1, A replaced by G.
Protein change: p.Met1Val; changes the start codon (methionine 1).
Molecular consequence: missense variant, initiator codon variant.
Genome position (GRCh38, 1-based): chr4:41,748,610, T>C on the plus strand (A>G on the coding strand, the complement: PHOX2B is on the minus strand). VCF-style: chr4-41748610-T-C. GRCh37 (hg19) VCF-style: chr4-41750627-T-C.
Other names: short protein forms M1V.
Identifiers: ClinVar variation 1784169 (VCV001784169.8), dbSNP rs2552097205, ClinGen allele CA356741485.